The following is an entry in ClinVar:

NM_003482.4(KMT2D):c.6631dup (p.Met2211fs)

Gene: KMT2D (lysine methyltransferase 2D; minus strand). Cytogenetic location: 12q13.12.
Variant type: Duplication.
Coding change: c.6631dup on transcript NM_003482.4 (MANE Select); coding-DNA position 6631, one base duplicated (A; older notation c.6631dupA).
Protein change: p.Met2211fs; shifts the reading frame from methionine 2211.
Molecular consequence: frameshift variant.
Genome position (GRCh38, 1-based): chr12:49,041,139, T duplicated on the plus strand (A on the coding strand, the reverse complement: KMT2D is on the minus strand). VCF-style (leftmost placement, unchanged base first): chr12-49041138-A-AT. GRCh37 (hg19) VCF-style: chr12-49434921-A-AT.
Other names: short protein forms M2211fs.
Identifiers: ClinVar variation 2697992 (VCV002697992.3), dbSNP rs2498401830, ClinGen allele CA2697559241.
Genomic context (GRCh38, chr12:49,041,138, plus strand): 5'-GGTGGGGTAGTGTGGAATTCCCCTGGCTGGCCAGCCCCAGGACGAGATGAGGCGCCCAGC[A>AT]TCGGGGGCTGCGCAGGGGCCCCCGTAGGACTAGGATAGGGGGGATAGGTGGGCGGTGCCG-3'

ClinVar aggregate classification (germline): Pathogenic (1 of 4 stars; one submission).

Conditions:
Kabuki syndrome. Also called: NIIKAWA-KUROKI SYNDROME; Kabuki make-up syndrome. Identifiers: Orphanet 2322, MedGen C0796004, MONDO:0016512.

Submission:

Labcorp Genetics (formerly Invitae), Labcorp
Classification: Pathogenic for Kabuki syndrome. Last evaluated: 2023-11-21. Review status: criteria provided, single submitter. Criteria: Invitae Variant Classification Sherloc (09022015). Collection method: clinical testing. Allele origin: germline.
Comment: This sequence change creates a premature translational stop signal (p.Met2211Asnfs*32) in the KMT2D gene. It is expected to result in an absent or disrupted protein product. Loss-of-function variants in KMT2D are known to be pathogenic (PMID: 22126750). This variant is not present in population databases (gnomAD no frequency). This variant has not been reported in the literature in individuals affected with KMT2D-related conditions. For these reasons, this variant has been classified as Pathogenic.

Literature cited by the submitters: PubMed 22126750.